The following is an entry in ClinVar:

NM_020937.4(FANCM):c.6110A>G (p.Asn2037Ser)

Gene: FANCM (FA complementation group M; plus strand). Cytogenetic location: 14q21.2.
Variant type: single nucleotide variant.
Coding change: c.6110A>G on transcript NM_020937.4 (MANE Select); coding-DNA position 6110, A replaced by G.
Protein change: p.Asn2037Ser; replaces asparagine 2037 with serine.
Molecular consequence: missense variant.
Genome position (GRCh38, 1-based): chr14:45,199,971, A>G. VCF-style: chr14-45199971-A-G. GRCh37 (hg19) VCF-style: chr14-45669174-A-G.
Other names: c.6032A>G, p.Asn2011Ser (NM_001308133.2); short protein forms N2011S, N2037S.
Identifiers: ClinVar variation 4871040 (VCV004871040.1).
Genomic context (GRCh38, chr14:45,199,971, plus strand): 5'-AGAAGGCTGAGGAGATCTATAGATATATTCACTATGTATTTGACATACAAATGTTACCAA[A>G]TGATCTTAACCAAGATAGACTGAAATCTGATATATAATCAAGCTGCTCAAGATGGGGTTT-3'
Protein context (NP_065988.1, residues 2027-2047): HYVFDIQMLP[Asn2037Ser]DLNQDRLKSD

ClinVar aggregate classification (germline): Uncertain significance (1 of 4 stars; one submission).

Conditions:
Inborn genetic diseases. Identifiers: MedGen C0950123, MeSH D030342.

Submission:

Ambry Genetics
Classification: Uncertain significance for Inborn genetic diseases. Last evaluated: 2026-03-23. Review status: criteria provided, single submitter. Criteria: Ambry Variant Classification Scheme 2023. Collection method: clinical testing. Allele origin: germline.
Comment: The p.N2037S variant (also known as c.6110A>G), located in coding exon 23 of the FANCM gene, results from an A to G substitution at nucleotide position 6110. The asparagine at codon 2037 is replaced by serine, an amino acid with highly similar properties. This amino acid position is conserved. In addition, this alteration is predicted to be tolerated by in silico analysis. Based on the available evidence, the clinical significance of this variant remains unclear.